The following is an entry in ClinVar:

NM_001267550.2(TTN):c.84583G>T (p.Glu28195Ter)

Genes: TTN (titin; minus strand), TTN-AS1 (TTN antisense RNA 1; plus strand). Cytogenetic location: 2q31.2.
Variant type: single nucleotide variant.
Coding change: c.84583G>T on transcript NM_001267550.2 (MANE Select); coding-DNA position 84583, G replaced by T.
Protein change: p.Glu28195Ter; replaces glutamic acid 28195 with a stop codon.
Molecular consequence: nonsense.
Genome position (GRCh38, 1-based): chr2:178,561,549, C>A on the plus strand (G>T on the coding strand, the complement: TTN is on the minus strand). VCF-style: chr2-178561549-C-A. GRCh37 (hg19) VCF-style: chr2-179426276-C-A.
Other names: c.79660G>T, p.Glu26554Ter (NM_001256850.1); c.57388G>T, p.Glu19130Ter (NM_003319.4); c.76879G>T, p.Glu25627Ter (NM_133378.4); c.57763G>T, p.Glu19255Ter (NM_133432.3); c.57964G>T, p.Glu19322Ter (NM_133437.4); short protein forms E19255*, E26554*, E28195*, E19130*, E19322*, E25627*.
Identifiers: ClinVar variation 1749353 (VCV001749353.2), dbSNP rs2469696390, ClinGen allele CA349559222.

ClinVar aggregate classification (germline): Likely pathogenic (1 of 4 stars; one submission).

Conditions:
Cardiovascular phenotype. Identifiers: MedGen CN230736.

Submission:

Ambry Genetics
Classification: Likely pathogenic for Cardiovascular phenotype. Last evaluated: 2018-09-06. Review status: criteria provided, single submitter. Criteria: Ambry Variant Classification Scheme 2023. Collection method: clinical testing. Allele origin: germline.
Comment: The p.E19130* variant (also known as c.57388G>T), located in coding exon 153 of the TTN gene, results from a G to T substitution at nucleotide position 57388. This changes the amino acid from a glutamic acid to a stop codon within coding exon 153. This exon is located in the A-band region of the N2-B isoform of the titin protein and is constitutively expressed in TTN transcripts (percent spliced in or PSI 100%). While truncating variants in TTN are present in 1-3% of the general population, truncating variants in the A-band are the most common cause of dilated cardiomyopathy (DCM) (Herman DS et al. N. Engl. J. Med. 2012 Feb;366:619-28; Roberts AM et al. Sci Transl Med. 2015 Jan;7:270ra6). TTN truncating variants encoded in constitutive exons (PSI >90%) have been found to be significantly associated with DCM regardless of their position in titin (Schafer S et al. Nat. Genet. 2017 Jan;49:46-53). This alteration is expected to result in loss of function by premature protein truncation or nonsense-mediated mRNA decay. As such, this alteration is classified as likely pathogenic.